The following is an entry in ClinVar:

ClinVar aggregate classification (germline): Conflicting classifications of pathogenicity. Review status: criteria provided, conflicting classifications (1 of 4 stars). 6 submissions from 6 submitters: Uncertain significance (3); Benign (1); Likely benign (1). 1 of the submissions does not count toward it. Last evaluated 2026-08-24.

Conditions:
Autoinflammatory syndrome, familial, Behcet-like 1 (AIFBL1). Also called: Haploinsufficiency of A20. Identifiers: Orphanet 674762, MedGen C4225218, MONDO:0800045, OMIM 616744.
TNFAIP3-related disorder. Also called: TNFAIP3-related condition.

Allele frequency attached by ClinVar (database versions not stated): gnomAD exomes 0.00009 and 0.00020; ExAC 0.00010; gnomAD 0.00012; TOPMed 0.00013; ESP Exome Variant Server 0.00015.
gnomAD v4.1: 300 of 1,611,536 alleles (0.019%); highest among the groups gnomAD compares: Middle Eastern, 0.033%; no homozygotes.

Submissions (6):

PreventionGenetics, part of Exact Sciences
Classification: Uncertain significance for TNFAIP3-related condition. Last evaluated: 2026-08-24. Review status: criteria provided, single submitter. Criteria: ACMG Guidelines, 2015. Collection method: clinical testing. Allele origin: germline.
Comment: The TNFAIP3 c.839G>A variant is predicted to result in the amino acid substitution p.Arg280Gln. To our knowledge, this variant has not been reported in the literature. This variant is reported in 0.016% of alleles in individuals of European (Non-Finnish) descent in gnomAD. At this time, the clinical significance of this variant is uncertain due to the absence of conclusive functional and genetic evidence.

Labcorp Genetics (formerly Invitae), Labcorp
Classification: Benign. Last evaluated: 2025-10-15. Review status: criteria provided, single submitter. Criteria: Invitae Variant Classification Sherloc (09022015). Collection method: clinical testing. Allele origin: germline.

ARUP Laboratories, Molecular Genetics and Genomics, ARUP Laboratories
Classification: Uncertain significance for Autoinflammatory syndrome, familial, Behcet-like 1. Last evaluated: 2024-09-02. Review status: criteria provided, single submitter. Criteria: ARUP Molecular Germline Variant Investigation Process 2024. Collection method: clinical testing. Allele origin: germline.
Comment: The TNFAIP3 c.839G>A; p.Arg280Gln variant (rs200840068), to our knowledge, is not reported in the medical literature but is reported in ClinVar (Variation ID: 135337). This variant is found in the general population with an overall allele frequency of 0.008% (23/280,728 alleles) in the Genome Aggregation Database (v2.1.1). Computational analyses predict that this variant is neutral (REVEL: 0.079). However, given the lack of clinical and functional data, the significance of this variant is uncertain at this time.

Blueprint Genetics
Classification: Likely benign. Last evaluated: 2023-12-12. Review status: criteria provided, single submitter. Criteria: ACMG Guidelines, 2015. Collection method: clinical testing. Allele origin: germline.

Fulgent Genetics
Classification: Uncertain significance for Autoinflammatory syndrome, familial, Behcet-like 1. Last evaluated: 2022-04-27. Review status: criteria provided, single submitter. Criteria: ACMG Guidelines, 2015. Collection method: clinical testing. Allele origin: unknown.

ITMI
No classification provided. Condition: AllHighlyPenetrant. Last evaluated: 2013-09-19. Review status: no classification provided. Collection method: reference population. Allele origin: germline. Not counted in ClinVar's aggregate classification.
Comment: Please see associated publication for description of ethnicities

Literature cited by the submitters: PubMed 24728327 (cited by ITMI).

NM_001270508.2(TNFAIP3):c.839G>A (p.Arg280Gln)

Gene: TNFAIP3 (TNF alpha induced protein 3; plus strand). Cytogenetic location: 6q23.3.
Variant type: single nucleotide variant.
Coding change: c.839G>A on transcript NM_001270508.2 (MANE Select); coding-DNA position 839, G replaced by A.
Protein change: p.Arg280Gln; replaces arginine 280 with glutamine.
Molecular consequence: missense variant.
Genome position (GRCh38, 1-based): chr6:137,877,109, G>A. VCF-style: chr6-137877109-G-A. GRCh37 (hg19) VCF-style: chr6-138198246-G-A.
Other names: c.839G>A (NM_006290.3); c.839G>A, p.Arg280Gln (NM_001270507.2, NM_006290.4); short protein forms R280Q.
Identifiers: ClinVar variation 135337 (VCV000135337.11), dbSNP rs200840068, ClinGen allele CA162421.